The following is an entry in ClinVar:

ClinVar aggregate classification (germline): Uncertain significance (1 of 4 stars; one submission).

Conditions:
NIK deficiency. Also called: Primary immunodeficiency with multifaceted aberrant lymphoid immunity. Identifiers: Orphanet 447731, MedGen C5680065, MONDO:0018642.

Submission:

Labcorp Genetics (formerly Invitae), Labcorp
Classification: Uncertain significance for NIK deficiency. Last evaluated: 2020-06-12. Review status: criteria provided, single submitter. Criteria: Invitae Variant Classification Sherloc (09022015). Collection method: clinical testing. Allele origin: germline.
Comment: In summary, the available evidence is currently insufficient to determine the role of this variant in disease. Therefore, it has been classified as a Variant of Uncertain Significance. Experimental studies and prediction algorithms are not available or were not evaluated, and the functional significance of this variant is currently unknown. This variant has not been reported in the literature in individuals with MAP3K14-related conditions. This variant is not present in population databases (ExAC no frequency). This sequence change replaces lysine with glutamine at codon 726 of the MAP3K14 protein (p.Lys726Gln). The lysine residue is moderately conserved and there is a small physicochemical difference between lysine and glutamine.

NM_003954.5(MAP3K14):c.2176A>C (p.Lys726Gln)

Genes: MAP3K14 (mitogen-activated protein kinase kinase kinase 14; minus strand), MAP3K14-AS1 (MAP3K14 antisense RNA 1; plus strand), LOC126862575 (CDK7 strongly-dependent group 2 enhancer GRCh37_chr17:43344006-43345205; plus strand). Cytogenetic location: 17q21.31.
Variant type: single nucleotide variant.
Coding change: c.2176A>C on transcript NM_003954.5 (MANE Select); coding-DNA position 2176, A replaced by C.
Protein change: p.Lys726Gln; replaces lysine 726 with glutamine.
Molecular consequence: missense variant.
Genome position (GRCh38, 1-based): chr17:45,267,556, T>G on the plus strand (A>C on the coding strand, the complement: MAP3K14 is on the minus strand). VCF-style: chr17-45267556-T-G. GRCh37 (hg19) VCF-style: chr17-43344923-T-G.
Other names: short protein forms K726Q.
Identifiers: ClinVar variation 1020346 (VCV001020346.7), dbSNP rs2044101350, ClinGen allele CA399875420.